The following is an entry in ClinVar:

NM_001401501.2(MUC16):c.7075A>G (p.Ile2359Val)

Gene: MUC16 (mucin 16, cell surface associated; minus strand). Cytogenetic location: 19p13.2.
Variant type: single nucleotide variant.
Coding change: c.7075A>G on transcript NM_001401501.2 (MANE Select); coding-DNA position 7075, A replaced by G.
Protein change: p.Ile2359Val; replaces isoleucine 2359 with valine.
Molecular consequence: missense variant.
Genome position (GRCh38, 1-based): chr19:8,974,184, T>C on the plus strand (A>G on the coding strand, the complement: MUC16 is on the minus strand). VCF-style: chr19-8974184-T-C. GRCh37 (hg19) VCF-style: chr19-9084860-T-C.
Other names: c.7501A>G, p.Ile2501Val (NM_001414686.1); c.6955A>G, p.Ile2319Val (NM_001414687.1, NM_024690.2); short protein forms I2319V, I2359V, I2501V.
Identifiers: ClinVar variation 208918 (VCV000208918.3), dbSNP rs200019597, ClinGen allele CA210182.
Genomic context (GRCh38, chr19:8,974,184, plus strand): 5'-TGGTCTCTGTGAAACTAGCAGTGAGAACTATGGGGGAAGTGGTTGGAGCAGCAGAGGTGA[T>C]TGTCCTTCTCTCTCCCAGTGTAATGGAGGGACTGGCTCCTGTGGGCTTTGTAGACATAGC-3'
Protein context (NP_001388430.1, residues 2349-2369): PSITLGERRT[Ile2359Val]TSAAPTTSPI

ClinVar aggregate classification (germline): Benign/Likely benign. Review status: no assertion criteria provided (0 of 4 stars). 2 submissions from 2 submitters: Benign (1); Likely benign (1). Last evaluated 2019-08-12.

Conditions:
MUC16-related disorder. Also called: MUC16-related condition.
Abnormality of neuronal migration. Identifiers: MedGen C1837249, HP:0002269.

Allele frequency attached by ClinVar (database versions not stated): TOPMed 0.00025; ExAC 0.00029; gnomAD exomes 0.00029 and 0.00021; ESP Exome Variant Server 0.00049; gnomAD 0.00019.

Submissions (2):

PreventionGenetics, part of Exact Sciences
Classification: Likely benign for MUC16-related condition. Last evaluated: 2019-08-12. Review status: no assertion criteria provided. Collection method: clinical testing. Allele origin: germline.
Comment: This variant is classified as likely benign based on ACMG/AMP sequence variant interpretation guidelines (Richards et al. 2015 PMID: 25741868, with internal and published modifications).

Génétique et pathophysiologie de maladies neurodéveloppementales et épileptogènes, Institut de génétique et de biologie moléculaire et cellulaire
Classification: Benign for Malformation of Cortical Development. Last evaluated: 2014-10-31. Review status: no assertion criteria provided. Collection method: clinical testing. Allele origin: unknown. Affected: yes. Observed: 1 variant allele, 1 compound heterozygote.